The following is an entry in ClinVar:

ClinVar aggregate classification (germline): Uncertain significance. Review status: criteria provided, multiple submitters, no conflicts (2 of 4 stars). 2 submissions from 2 submitters: Uncertain significance (2). Last evaluated 2022-04-20.

Submissions (2):

Blueprint Genetics
Classification: Uncertain significance. Last evaluated: 2022-04-20. Review status: criteria provided, single submitter. Criteria: ACMG Guidelines, 2015. Collection method: clinical testing. Allele origin: germline.

Labcorp Genetics (formerly Invitae), Labcorp
Classification: Uncertain significance. Last evaluated: 2020-10-08. Review status: criteria provided, single submitter. Criteria: Invitae Variant Classification Sherloc (09022015). Collection method: clinical testing. Allele origin: germline.
Comment: In summary, the available evidence is currently insufficient to determine the role of this variant in disease. Therefore, it has been classified as a Variant of Uncertain Significance. Algorithms developed to predict the effect of missense changes on protein structure and function are either unavailable or do not agree on the potential impact of this missense change (SIFT: "Tolerated"; PolyPhen-2: "Probably Damaging"; Align-GVGD: "Class C0"). This variant has not been reported in the literature in individuals with PDE6A-related conditions. This variant is not present in population databases (ExAC no frequency). This sequence change replaces glycine with aspartic acid at codon 297 of the PDE6A protein (p.Gly297Asp). The glycine residue is highly conserved and there is a moderate physicochemical difference between glycine and aspartic acid.

NM_000440.3(PDE6A):c.890G>A (p.Gly297Asp)

Gene: PDE6A (phosphodiesterase 6A; minus strand). Cytogenetic location: 5q32.
Variant type: single nucleotide variant.
Coding change: c.890G>A on transcript NM_000440.3 (MANE Select); coding-DNA position 890, G replaced by A.
Protein change: p.Gly297Asp; replaces glycine 297 with aspartic acid.
Molecular consequence: missense variant.
Genome position (GRCh38, 1-based): chr5:149,921,678, C>T on the plus strand (G>A on the coding strand, the complement: PDE6A is on the minus strand). VCF-style: chr5-149921678-C-T. GRCh37 (hg19) VCF-style: chr5-149301241-C-T.
Other names: short protein forms G297D.
Identifiers: ClinVar variation 964126 (VCV000964126.10), dbSNP rs1753726210, ClinGen allele CA361700897.